The following is an entry in ClinVar:

NM_025219.3(DNAJC5):c.*853C>G

Gene: DNAJC5 (DnaJ heat shock protein family (Hsp40) member C5; plus strand). Cytogenetic location: 20q13.33.
Variant type: single nucleotide variant.
Coding change: c.*853C>G on transcript NM_025219.3 (MANE Select); 853 bases downstream of the stop codon, C replaced by G.
Molecular consequence: 3 prime UTR variant.
Genome position (GRCh38, 1-based): chr20:63,932,421, C>G. VCF-style: chr20-63932421-C-G. GRCh37 (hg19) VCF-style: chr20-62563774-C-G.
Identifiers: ClinVar variation 339375 (VCV000339375.6), dbSNP rs6011230, ClinGen allele CA10653392.

ClinVar aggregate classification (germline): Benign (1 of 4 stars; one submission).

Conditions:
Ceroid lipofuscinosis, neuronal, 4 (Kufs type) (CLN4). Also called: Neuronal ceroid lipofuscinosis 4B; Ceroid lipofuscinosis, neuronal, 4, Parry type. Identifiers: Orphanet 228343, Orphanet 79262, MedGen C1834207, MONDO:0008083, OMIM 162350.

Allele frequency attached by ClinVar (database versions not stated): 1000 Genomes Project 0.01318; 1000 Genomes Project 30x 0.01437; TOPMed 0.01438.

Submission:

Illumina Laboratory Services, Illumina
Classification: Benign for Ceroid lipofuscinosis, neuronal, 4 (Kufs type). Last evaluated: 2018-01-13. Review status: criteria provided, single submitter. Criteria: ICSL Variant Classification Criteria 13 December 2019. Collection method: clinical testing. Allele origin: germline.
Comment: This variant was observed in the ICSL laboratory as part of a predisposition screen in an ostensibly healthy population. It had not been previously curated by ICSL or reported in the Human Gene Mutation Database (HGMD: prior to June 1st, 2018), and was therefore a candidate for classification through an automated scoring system. Utilizing variant allele frequency, disease prevalence and penetrance estimates, and inheritance mode, an automated score was calculated to assess if this variant is too frequent to cause the disease. Based on the score and internal cut-off values, a variant classified as benign is not then subjected to further curation. The score for this variant resulted in a classification of benign for this disease.